The following is an entry in ClinVar:

NM_001042492.3(NF1):c.6041T>G (p.Phe2014Cys)

Gene: NF1 (neurofibromin 1; plus strand). Cytogenetic location: 17q11.2.
Variant type: single nucleotide variant.
Coding change: c.6041T>G on transcript NM_001042492.3 (MANE Select); coding-DNA position 6041, T replaced by G.
Protein change: p.Phe2014Cys; replaces phenylalanine 2014 with cysteine.
Molecular consequence: missense variant.
Genome position (GRCh38, 1-based): chr17:31,336,367, T>G. VCF-style: chr17-31336367-T-G. GRCh37 (hg19) VCF-style: chr17-29663385-T-G.
Other names: c.5978T>G, p.Phe1993Cys (NM_000267.4); short protein forms F2014C, F1993C.
Identifiers: ClinVar variation 1432021 (VCV001432021.6), dbSNP rs1000572454, ClinGen allele CA289385853.

ClinVar aggregate classification (germline): Uncertain significance (1 of 4 stars; one submission).

Conditions:
Neurofibromatosis, type 1 (NF1). Also called: Peripheral type neurofibromatosis; VON RECKLINGHAUSEN DISEASE; NEUROFIBROMATOSIS, TYPE I, SOMATIC; Neurofibromatosis, type I. Identifiers: Orphanet 636, MedGen C0027831, MONDO:0018975, OMIM 162200. Disease mechanism: loss of function.

Allele frequency attached by ClinVar (database versions not stated): TOPMed below 0.00001; gnomAD 0.00001.
gnomAD v4.1: 1 of 1,613,990 alleles (0.000062%); highest among the groups gnomAD compares: Non-Finnish European, 0.000085%; no homozygotes.

Submission:

Labcorp Genetics (formerly Invitae), Labcorp
Classification: Uncertain significance for Neurofibromatosis, type 1. Last evaluated: 2021-08-02. Review status: criteria provided, single submitter. Criteria: Invitae Variant Classification Sherloc (09022015). Collection method: clinical testing. Allele origin: germline.
Comment: In summary, the available evidence is currently insufficient to determine the role of this variant in disease. Therefore, it has been classified as a Variant of Uncertain Significance. Advanced modeling of protein sequence and biophysical properties (such as structural, functional, and spatial information, amino acid conservation, physicochemical variation, residue mobility, and thermodynamic stability) performed at Invitae indicates that this missense variant is expected to disrupt NF1 protein function. This variant has not been reported in the literature in individuals affected with NF1-related conditions. This variant is not present in population databases (ExAC no frequency). This sequence change replaces phenylalanine with cysteine at codon 1993 of the NF1 protein (p.Phe1993Cys). The phenylalanine residue is moderately conserved and there is a large physicochemical difference between phenylalanine and cysteine.